The following is an entry in ClinVar:

ClinVar aggregate classification (germline): Pathogenic (1 of 4 stars; one submission).

Allele frequency attached by ClinVar (database versions not stated): gnomAD 0.00001; gnomAD exomes 0.00001 and 0.00003; TOPMed 0.00001; ExAC 0.00010.

Submission:

GeneDx
Classification: Pathogenic. Last evaluated: 2018-03-05. Review status: criteria provided, single submitter. Criteria: GeneDx Variant Classification (06012015). Collection method: clinical testing. Allele origin: germline. Affected: yes.
Comment: The c.3145dupT variant in the CDAN1 gene has been reported previously, in the presence of a second CDAN1 variant, in unrelated individuals with congenital dyserythropoietic anemia type I (Heimpel et al., 2006). The c.3145dupT variant causes a frameshift starting with codon Serine 1049, changes this amino acid to a Phenylalanine residue, and creates a premature Stop codon at position 27 of the new reading frame, denoted p.Ser1049PhefsX27. This variant is predicted to cause loss of normal protein function either through protein truncation or nonsense-mediated mRNA decay. The c.3145dupT variant is not observed at a significant frequency in large population cohorts (Lek et al., 2016). We interpret c.3145dupT as a pathogenic variant.

NM_138477.4(CDAN1):c.3145dup (p.Ser1049fs)

Gene: CDAN1 (codanin 1; minus strand). Cytogenetic location: 15q15.2.
Variant type: Duplication.
Coding change: c.3145dup on transcript NM_138477.4 (MANE Select); coding-DNA position 3145, one base duplicated (T; older notation c.3145dupT).
Protein change: p.Ser1049fs; shifts the reading frame from serine 1049.
Molecular consequence: frameshift variant.
Genome position (GRCh38, 1-based): chr15:42,726,369, A duplicated on the plus strand (T on the coding strand, the reverse complement: CDAN1 is on the minus strand). VCF-style (leftmost placement, unchanged base first): chr15-42726368-G-GA. GRCh37 (hg19) VCF-style: chr15-43018566-G-GA.
Other names: c.3145dup, p.Ser1049fs (LRG_1164t1); short protein forms S1049fs.
Identifiers: ClinVar variation 504471 (VCV000504471.2), dbSNP rs769679860, ClinGen allele CA7515264.
Genomic context (GRCh38, chr15:42,726,368, plus strand): 5'-ACCTGGCGGCACCGCAGCGTCTGGCCCAGCTGGCCTAGGAGCTGTTCCAGATGCTCTGGG[G>GA]AGACTCCCTCGTCAGGGTCCCGTGGCCCCACGGCCAAGGAGAGCACGTCCTGTGAAGAGC-3'